The following is an entry in ClinVar:

ClinVar aggregate classification (germline): Uncertain significance. Review status: criteria provided, multiple submitters, no conflicts (2 of 4 stars). 2 submissions from 2 submitters: Uncertain significance (2). Last evaluated 2025-04-28.

Conditions:
Inborn genetic diseases. Identifiers: MedGen C0950123, MeSH D030342.

Allele frequency attached by ClinVar (database versions not stated): gnomAD exomes 0.00001.
gnomAD v4.1: 7 of 1,612,314 alleles (0.00043%); highest among the groups gnomAD compares: South Asian, 0.0011%; no homozygotes.

Submissions (2):

Ambry Genetics
Classification: Uncertain significance for Inborn genetic diseases. Last evaluated: 2025-04-28. Review status: criteria provided, single submitter. Criteria: Ambry Variant Classification Scheme 2023. Collection method: clinical testing. Allele origin: germline.

Labcorp Genetics (formerly Invitae), Labcorp
Classification: Uncertain significance. Last evaluated: 2022-09-14. Review status: criteria provided, single submitter. Criteria: Invitae Variant Classification Sherloc (09022015). Collection method: clinical testing. Allele origin: germline.
Comment: In summary, the available evidence is currently insufficient to determine the role of this variant in disease. Therefore, it has been classified as a Variant of Uncertain Significance. Advanced modeling of protein sequence and biophysical properties (such as structural, functional, and spatial information, amino acid conservation, physicochemical variation, residue mobility, and thermodynamic stability) performed at Invitae indicates that this missense variant is not expected to disrupt LEMD3 protein function. This variant has not been reported in the literature in individuals affected with LEMD3-related conditions. This variant is present in population databases (no rsID available, gnomAD 0.0009%). This sequence change replaces methionine, which is neutral and non-polar, with valine, which is neutral and non-polar, at codon 652 of the LEMD3 protein (p.Met652Val).

NM_014319.5(LEMD3):c.1954A>G (p.Met652Val)

Gene: LEMD3 (LEM domain containing 3; plus strand). Cytogenetic location: 12q14.3.
Variant type: single nucleotide variant.
Coding change: c.1954A>G on transcript NM_014319.5 (MANE Select); coding-DNA position 1954, A replaced by G.
Protein change: p.Met652Val; replaces methionine 652 with valine.
Molecular consequence: missense variant.
Genome position (GRCh38, 1-based): chr12:65,239,961, A>G. VCF-style: chr12-65239961-A-G. GRCh37 (hg19) VCF-style: chr12-65633741-A-G.
Other names: c.1954A>G (NM_014319.4); c.1951A>G, p.Met651Val (NM_001167614.2); short protein forms M652V, M651V.
Identifiers: ClinVar variation 1986577 (VCV001986577.5), dbSNP rs1268835713, ClinGen allele CA385671846.